The following is an entry in ClinVar:

ClinVar aggregate classification (germline): Uncertain significance (1 of 4 stars; one submission).

Submission:

Labcorp Genetics (formerly Invitae), Labcorp
Classification: Uncertain significance. Last evaluated: 2021-11-14. Review status: criteria provided, single submitter. Criteria: Invitae Variant Classification Sherloc (09022015). Collection method: clinical testing. Allele origin: germline.
Comment: This sequence change replaces aspartic acid, which is acidic and polar, with glycine, which is neutral and non-polar, at codon 680 of the DNM1L protein (p.Asp680Gly). This variant is not present in population databases (gnomAD no frequency). This variant has not been reported in the literature in individuals affected with DNM1L-related conditions. Algorithms developed to predict the effect of missense changes on protein structure and function are either unavailable or do not agree on the potential impact of this missense change (SIFT: "Deleterious"; PolyPhen-2: "Possibly Damaging"; Align-GVGD: "Class C0"). In summary, the available evidence is currently insufficient to determine the role of this variant in disease. Therefore, it has been classified as a Variant of Uncertain Significance.

NM_012062.5(DNM1L):c.2039A>G (p.Asp680Gly)

Gene: DNM1L (dynamin 1 like; plus strand). Cytogenetic location: 12p11.21.
Variant type: single nucleotide variant.
Coding change: c.2039A>G on transcript NM_012062.5 (MANE Select); coding-DNA position 2039, A replaced by G.
Protein change: p.Asp680Gly; replaces aspartic acid 680 with glycine.
Molecular consequence: missense variant.
Genome position (GRCh38, 1-based): chr12:32,742,633, A>G. VCF-style: chr12-32742633-A-G. GRCh37 (hg19) VCF-style: chr12-32895567-A-G.
Other names: c.2006A>G, p.Asp669Gly (NM_001278463.2); c.2078A>G, p.Asp693Gly (NM_001278464.2); c.2045A>G, p.Asp682Gly (NM_001278465.2); c.1430A>G, p.Asp477Gly (NM_001278466.2); c.1967A>G, p.Asp656Gly (NM_001330380.2); c.1928A>G, p.Asp643Gly (NM_005690.5); c.1961A>G, p.Asp654Gly (NM_012063.4); short protein forms D656G, D477G, D643G, D682G, D654G, D680G, D669G, D693G.
Identifiers: ClinVar variation 1394688 (VCV001394688.1), dbSNP rs2137611620, ClinGen allele CA384365632.